The following is an entry in ClinVar:

NM_003060.4(SLC22A5):c.1073A>G (p.Tyr358Cys)

Gene: SLC22A5 (solute carrier family 22 member 5; plus strand). Cytogenetic location: 5q31.1.
Variant type: single nucleotide variant.
Coding change: c.1073A>G on transcript NM_003060.4 (MANE Select); coding-DNA position 1073, A replaced by G.
Protein change: p.Tyr358Cys; replaces tyrosine 358 with cysteine.
Molecular consequence: missense variant.
Genome position (GRCh38, 1-based): chr5:132,390,710, A>G. VCF-style: chr5-132390710-A-G. GRCh37 (hg19) VCF-style: chr5-131726402-A-G.
Other names: c.1145A>G, p.Tyr382Cys (NM_001308122.2); short protein forms Y382C, Y358C.
Identifiers: ClinVar variation 2202143 (VCV002202143.7), dbSNP rs1266953756, ClinGen allele CA360807440.
Genomic context (GRCh38, chr5:132,390,710, plus strand): 5'-GGATACTGCTTTTCCAGCTTTCTTCTGCACTCTGTTTCAGGATGACCATATCAGTGGGCT[A>G]TTTTGGGCTTTCGCTTGATACTCCTAACTTGCATGGGGACATCTTTGTGAACTGCTTCCT-3'
Protein context (NP_003051.1, residues 348-368): IMLWMTISVG[Tyr358Cys]FGLSLDTPNL

ClinVar aggregate classification (germline): Pathogenic/Likely pathogenic. Review status: criteria provided, multiple submitters, no conflicts (2 of 4 stars). 3 submissions from 3 submitters: Pathogenic (1); Likely pathogenic (2). Last evaluated 2025-07-11.

Conditions:
Renal carnitine transport defect (CDSP). Also called: CARNITINE DEFICIENCY, SYSTEMIC, DUE TO DEFECT IN RENAL REABSORPTION OF CARNITINE; CARNITINE TRANSPORTER, PLASMA-MEMBRANE, DEFICIENCY OF; CARNITINE UPTAKE DEFECT; Primary carnitine deficiency; Systemic primary carnitine deficiency; Carnitine transporter deficiency. Identifiers: Orphanet 158, MedGen C0342788, MONDO:0008919, OMIM 212140.

Submissions (3):

Women's Health and Genetics/Laboratory Corporation of America, LabCorp
Classification: Likely pathogenic for Renal carnitine transport defect. Last evaluated: 2025-07-11. Review status: criteria provided, single submitter. Criteria: LabCorp Variant Classification Summary - May 2015. Collection method: clinical testing. Allele origin: germline.
Comment: Variant summary: SLC22A5 c.1073A>G (p.Tyr358Cys) results in a non-conservative amino acid change located in the Major facilitator superfamily domain (IPR020846) of the encoded protein sequence. Algorithms developed to predict the effect of missense changes on protein structure and function all suggest that this variant is likely to be disruptive. The variant was absent in 251472 control chromosomes. These data indicate that the variant may be associated with disease. A different variant affecting the same codon has been classified as likely pathogenic/pathogenic by our lab (c.1072T>A, p.Tyr358Asn), supporting the critical relevance of codon 358 to SLC22A5 protein function. To our knowledge, no experimental evidence demonstrating an impact on protein function has been reported. ClinVar contains an entry for this variant (Variation ID: 2202143). Based on the evidence outlined above, the variant was classified as likely pathogenic.

Fulgent Genetics
Classification: Likely pathogenic for Renal carnitine transport defect. Last evaluated: 2024-05-02. Review status: criteria provided, single submitter. Criteria: ACMG Guidelines, 2015. Collection method: clinical testing. Allele origin: germline.

Labcorp Genetics (formerly Invitae), Labcorp
Classification: Pathogenic for Renal carnitine transport defect. Last evaluated: 2023-06-23. Review status: criteria provided, single submitter. Criteria: Invitae Variant Classification Sherloc (09022015). Collection method: clinical testing. Allele origin: germline.
Comment: ClinVar contains an entry for this variant (Variation ID: 2202143). This missense change has been observed in individual(s) with primary carnitine deficiency (Invitae). This variant is not present in population databases (gnomAD no frequency). This sequence change replaces tyrosine, which is neutral and polar, with cysteine, which is neutral and slightly polar, at codon 358 of the SLC22A5 protein (p.Tyr358Cys). For these reasons, this variant has been classified as Pathogenic. This variant disrupts the p.Tyr358 amino acid residue in SLC22A5. Other variant(s) that disrupt this residue have been determined to be pathogenic (PMID: 20574985, 28841266; Invitae). This suggests that this residue is clinically significant, and that variants that disrupt this residue are likely to be disease-causing. Advanced modeling of protein sequence and biophysical properties (such as structural, functional, and spatial information, amino acid conservation, physicochemical variation, residue mobility, and thermodynamic stability) performed at Invitae indicates that this missense variant is expected to disrupt SLC22A5 protein function.

Literature cited by the submitters: PubMed 20574985 (cited by Labcorp Genetics (formerly Invitae), Labcorp); PubMed 28841266 (cited by Labcorp Genetics (formerly Invitae), Labcorp).